The following is an entry in ClinVar:

ClinVar aggregate classification (germline): Conflicting classifications of pathogenicity. Review status: criteria provided, conflicting classifications (1 of 4 stars). 2 submissions from 2 submitters: Uncertain significance (1); Likely benign (1). Last evaluated 2024-02-23.

Conditions:
Hereditary cancer-predisposing syndrome. Also called: Neoplastic Syndromes, Hereditary; Hereditary Cancer Syndrome; Hereditary neoplastic syndrome; Tumor predisposition. Identifiers: Orphanet 140162, MedGen C0027672, MeSH D009386, MONDO:0015356.
Familial cancer of breast. Also called: BREAST CANCER, FAMILIAL; hereditary breast carcinoma; Hereditary breast cancer. Identifiers: Orphanet 227535, MedGen C0346153, MONDO:0016419, OMIM 114480. Disease mechanism: loss of function.

Submissions (2):

Ambry Genetics
Classification: Likely benign for Hereditary cancer-predisposing syndrome. Last evaluated: 2024-02-23. Review status: criteria provided, single submitter. Criteria: Ambry Variant Classification Scheme 2023. Collection method: clinical testing. Allele origin: germline.

Labcorp Genetics (formerly Invitae), Labcorp
Classification: Uncertain significance for Familial cancer of breast. Last evaluated: 2020-06-07. Review status: criteria provided, single submitter. Criteria: Invitae Variant Classification Sherloc (09022015). Collection method: clinical testing. Allele origin: germline.
Comment: This sequence change replaces alanine with threonine at codon 173 of the BARD1 protein (p.Ala173Thr). The alanine residue is weakly conserved and there is a small physicochemical difference between alanine and threonine. This variant is not present in population databases (ExAC no frequency). This variant has not been reported in the literature in individuals with BARD1-related conditions. ClinVar contains an entry for this variant (Variation ID: 479144). Algorithms developed to predict the effect of missense changes on protein structure and function (SIFT, PolyPhen-2, Align-GVGD) all suggest that this variant is likely to be tolerated, but these predictions have not been confirmed by published functional studies and their clinical significance is uncertain. In summary, the available evidence is currently insufficient to determine the role of this variant in disease. Therefore, it has been classified as a Variant of Uncertain Significance.

NM_000465.4(BARD1):c.517G>A (p.Ala173Thr)

Gene: BARD1 (BRCA1 associated RING domain 1; minus strand). Cytogenetic location: 2q35.
Variant type: single nucleotide variant.
Coding change: c.517G>A on transcript NM_000465.4 (MANE Select); coding-DNA position 517, G replaced by A.
Protein change: p.Ala173Thr; replaces alanine 173 with threonine.
Molecular consequence: missense variant. On other transcripts: non-coding transcript variant (2), intron variant (3).
Genome position (GRCh38, 1-based): chr2:214,781,357, C>T on the plus strand (G>A on the coding strand, the complement: BARD1 is on the minus strand). VCF-style: chr2-214781357-C-T. GRCh37 (hg19) VCF-style: chr2-215646081-C-T.
Other names: c.460G>A, p.Ala154Thr (NM_001282543.2); c.158+28055G>A (NM_001282548.2); c.215+15704G>A (NM_001282545.2); c.364+10940G>A (NM_001282549.2); short protein forms A173T, A154T.
Identifiers: ClinVar variation 479144 (VCV000479144.15), dbSNP rs1553622642, ClinGen allele CA350457482.